The following is an entry in ClinVar:

NM_173630.4(RTTN):c.4298G>A (p.Arg1433Gln)

Gene: RTTN (rotatin; minus strand). Cytogenetic location: 18q22.2.
Variant type: single nucleotide variant.
Coding change: c.4298G>A on transcript NM_173630.4 (MANE Select); coding-DNA position 4298, G replaced by A.
Protein change: p.Arg1433Gln; replaces arginine 1433 with glutamine.
Molecular consequence: missense variant.
Genome position (GRCh38, 1-based): chr18:70,087,993, C>T on the plus strand (G>A on the coding strand, the complement: RTTN is on the minus strand). VCF-style: chr18-70087993-C-T. GRCh37 (hg19) VCF-style: chr18-67755229-C-T.
Other names: c.1562G>A, p.Arg521Gln (NM_001318520.2); short protein forms R1433Q, R521Q.
Identifiers: ClinVar variation 1195721 (VCV001195721.11), dbSNP rs75356692, ClinGen allele CA8995333.
Genomic context (GRCh38, chr18:70,087,993, plus strand): 5'-TACGGATACCATCACAAAGAATTTCTAAGGAAAAAAAGGAGAAAAGACAGACATACCTCC[C>T]GGCGCACCATACTACATTCTGACTGGTCCAGAAGAATGTTCACCACAGTTCCCCAGAGCC-3'
Protein context (NP_775901.3, residues 1423-1443): LDQSECSMVR[Arg1433Gln]EAAFILQNLL

ClinVar aggregate classification (germline): Uncertain significance. Review status: criteria provided, multiple submitters, no conflicts (2 of 4 stars). 3 submissions from 3 submitters: Uncertain significance (3). Last evaluated 2024-08-13.

Allele frequency attached by ClinVar (database versions not stated): TOPMed 0.00027; 1000 Genomes Project 30x 0.00031; gnomAD exomes 0.00033 and 0.00072; gnomAD 0.00036 and 0.00037; 1000 Genomes Project 0.00040; ESP Exome Variant Server 0.00041; ExAC 0.00046.
gnomAD v4.1: 1,088 of 1,612,008 alleles (0.067%); highest among the groups gnomAD compares: Non-Finnish European, 0.088%; no homozygotes.

Submissions (3):

GeneDx
Classification: Uncertain significance. Last evaluated: 2024-08-13. Review status: criteria provided, single submitter. Criteria: GeneDx Variant Classification Process June 2021. Collection method: clinical testing. Allele origin: germline. Affected: yes.
Comment: In silico analysis indicates that this missense variant does not alter protein structure/function; Has not been previously published as pathogenic or benign to our knowledge

Labcorp Genetics (formerly Invitae), Labcorp
Classification: Uncertain significance. Last evaluated: 2022-09-19. Review status: criteria provided, single submitter. Criteria: Invitae Variant Classification Sherloc (09022015). Collection method: clinical testing. Allele origin: germline.
Comment: This sequence change replaces arginine, which is basic and polar, with glutamine, which is neutral and polar, at codon 1433 of the RTTN protein (p.Arg1433Gln). This variant is present in population databases (rs75356692, gnomAD 0.06%). This variant has not been reported in the literature in individuals affected with RTTN-related conditions. ClinVar contains an entry for this variant (Variation ID: 1195721). Advanced modeling of protein sequence and biophysical properties (such as structural, functional, and spatial information, amino acid conservation, physicochemical variation, residue mobility, and thermodynamic stability) performed at Invitae indicates that this missense variant is not expected to disrupt RTTN protein function. Algorithms developed to predict the effect of sequence changes on RNA splicing suggest that this variant may create or strengthen a splice site. In summary, the available evidence is currently insufficient to determine the role of this variant in disease. Therefore, it has been classified as a Variant of Uncertain Significance.

Breakthrough Genomics
Classification: Uncertain significance. Review status: criteria provided, single submitter. Criteria: ACMG Guidelines, 2015. Collection method: not provided. Allele origin: germline. Inheritance: Autosomal recessive inheritance. Affected: yes.